The following is an entry in ClinVar:

NM_177438.3(DICER1):c.2275G>A (p.Asp759Asn)

Gene: DICER1 (dicer 1, ribonuclease III; minus strand). Cytogenetic location: 14q32.13.
Variant type: single nucleotide variant.
Coding change: c.2275G>A on transcript NM_177438.3 (MANE Select); coding-DNA position 2275, G replaced by A.
Protein change: p.Asp759Asn; replaces aspartic acid 759 with asparagine.
Molecular consequence: missense variant.
Genome position (GRCh38, 1-based): chr14:95,108,485, C>T on the plus strand (G>A on the coding strand, the complement: DICER1 is on the minus strand). VCF-style: chr14-95108485-C-T. GRCh37 (hg19) VCF-style: chr14-95574822-C-T.
Other names: c.2275G>A, p.Asp759Asn (NM_001195573.1, NM_001271282.3, NM_001291628.2 and 1 more transcripts); short protein forms D759N.
Identifiers: ClinVar variation 1019788 (VCV001019788.10), dbSNP rs1891663275, ClinGen allele CA390882400.

ClinVar aggregate classification (germline): Uncertain significance (1 of 4 stars; one submission).

Conditions:
DICER1-related tumor predisposition. Also called: DICER1 syndrome; DICER1-related pleuropulmonary blastoma cancer predisposition syndrome. Identifiers: Orphanet 284343, MedGen C3839822, MONDO:0100216.

Submission:

Labcorp Genetics (formerly Invitae), Labcorp
Classification: Uncertain significance for DICER1-related tumor predisposition. Last evaluated: 2020-01-19. Review status: criteria provided, single submitter. Criteria: Invitae Variant Classification Sherloc (09022015). Collection method: clinical testing. Allele origin: germline.
Comment: In summary, the available evidence is currently insufficient to determine the role of this variant in disease. Therefore, it has been classified as a Variant of Uncertain Significance. Algorithms developed to predict the effect of missense changes on protein structure and function output the following: SIFT: "Tolerated"; PolyPhen-2: "Benign"; Align-GVGD: "Class C0". The asparagine amino acid residue is found in multiple mammalian species, suggesting that this missense change does not adversely affect protein function. These predictions have not been confirmed by published functional studies and their clinical significance is uncertain. This sequence change replaces aspartic acid with asparagine at codon 759 of the DICER1 protein (p.Asp759Asn). The aspartic acid residue is weakly conserved and there is a small physicochemical difference between aspartic acid and asparagine. This variant is not present in population databases (ExAC no frequency). This variant has not been reported in the literature in individuals with DICER1-related conditions.